The following is an entry in ClinVar:

ClinVar aggregate classification (germline): Benign (1 of 4 stars; one submission).

Conditions:
Melanoma-pancreatic cancer syndrome. Identifiers: Orphanet 404560, MedGen C1838547, MONDO:0011713, OMIM 606719. Disease mechanism: loss of function.

Submission:

Myriad Genetics, Inc.
Classification: Benign for Melanoma-pancreatic cancer syndrome. Last evaluated: 2025-08-12. Review status: criteria provided, single submitter. Criteria: Myriad Autosomal Dominant, Autosomal Recessive and X-Linked Classification Criteria (2023). Collection method: clinical testing. Allele origin: unknown.
Comment: This variant is considered benign. This variant is a silent/synonymous amino acid change and it is not expected to impact splicing.

NM_058195.4(CDKN2A):c.105A>G (p.Ala35=)

Gene: CDKN2A (cyclin dependent kinase inhibitor 2A; minus strand). Cytogenetic location: 9p21.3.
Variant type: single nucleotide variant.
Coding change: c.105A>G on transcript NM_058195.4 (MANE Plus Clinical); coding-DNA position 105, A replaced by G.
Protein change: p.Ala35=; no amino-acid change (alanine 35 retained).
Molecular consequence: synonymous variant. On other transcripts: intron variant (1).
Genome position (GRCh38, 1-based): chr9:21,994,227, T>C on the plus strand (A>G on the coding strand, the complement: CDKN2A is on the minus strand). VCF-style: chr9-21994227-T-C. GRCh37 (hg19) VCF-style: chr9-21994226-T-C.
Other names: c.-4+594A>G (NM_001363763.2).
Identifiers: ClinVar variation 4294152 (VCV004294152.1).